The following is an entry in ClinVar:

ClinVar aggregate classification (germline): Conflicting classifications of pathogenicity. Review status: criteria provided, conflicting classifications (1 of 4 stars). 3 submissions from 3 submitters: Likely pathogenic (2); Uncertain significance (1). Last evaluated 2025-04-17.

Conditions:
Vitamin D-dependent rickets type II with alopecia (VDDR2A). Also called: PSEUDOVITAMIN D-DEFICIENCY, TYPE IIA; RICKETS, HEREDITARY VITAMIN D-RESISTANT; RICKETS-ALOPECIA SYNDROME; VITAMIN D-DEPENDENT RICKETS, TYPE 2A, WITH OR WITHOUT ALOPECIA; VITAMIN D-RESISTANT RICKETS WITH END-ORGAN UNRESPONSIVENESS TO 1,25-DIHYDROXYCHOLECALCIFEROL; Vitamin D-dependent rickets, type 2A. Identifiers: Orphanet 93160, MedGen C0342646, MONDO:0010186, OMIM 277440.

Allele frequency attached by ClinVar (database versions not stated): gnomAD exomes below 0.00001; ExAC 0.00001; TOPMed 0.00001; gnomAD 0.00003; ESP Exome Variant Server 0.00008.

Submissions (3):

Dasa
Classification: Likely pathogenic for vitamin D-dependent rickets, type 2A. Last evaluated: 2025-04-17. Review status: criteria provided, single submitter. Criteria: DASA Assertion Criteria. Collection method: clinical testing. Allele origin: germline.
Comment: NM_000376.3(VDR):c.775C>G (p.Gln259Glu) is a missense variant that results in the substitution of glutamine with glutamic acid. The affected residue or protein region has prior evidence supporting clinical relevance. This variant has been reported in individuals with VDR-related disorders (PMID: 19169476). Functional evidence supports an impact on the gene or gene product (PMID: 27154546; PMID: 9284761). Also, this variant is rare in population databases. Computational evidence supports a deleterious effect. Based on the currently available evidence, this variant is classified as likely pathogenic.

Fulgent Genetics
Classification: Likely pathogenic for Vitamin D-dependent rickets type II with alopecia. Last evaluated: 2024-05-16. Review status: criteria provided, single submitter. Criteria: ACMG Guidelines, 2015. Collection method: clinical testing. Allele origin: germline.

Labcorp Genetics (formerly Invitae), Labcorp
Classification: Uncertain significance. Last evaluated: 2023-06-13. Review status: criteria provided, single submitter. Criteria: Invitae Variant Classification Sherloc (09022015). Collection method: clinical testing. Allele origin: germline.
Comment: ClinVar contains an entry for this variant (Variation ID: 1407164). This sequence change replaces glutamine, which is neutral and polar, with glutamic acid, which is acidic and polar, at codon 259 of the VDR protein (p.Gln259Glu). This variant is present in population databases (rs149122494, gnomAD 0.008%). This missense change has been observed in individual(s) with clinical features of VDR-related conditions (PMID: 19169476). Advanced modeling of protein sequence and biophysical properties (such as structural, functional, and spatial information, amino acid conservation, physicochemical variation, residue mobility, and thermodynamic stability) performed at Invitae indicates that this missense variant is expected to disrupt VDR protein function. This variant disrupts the p.Gln259 amino acid residue in VDR. Other variant(s) that disrupt this residue have been observed in individuals with VDR-related conditions (PMID: 9284761), which suggests that this may be a clinically significant amino acid residue. In summary, the available evidence is currently insufficient to determine the role of this variant in disease. Therefore, it has been classified as a Variant of Uncertain Significance.

Literature cited by the submitters: PubMed 27154546 (cited by Dasa); PubMed 9284761 (cited by Dasa and Labcorp Genetics (formerly Invitae), Labcorp); PubMed 19169476 (cited by Dasa and Labcorp Genetics (formerly Invitae), Labcorp).

NM_000376.3(VDR):c.775C>G (p.Gln259Glu)

Gene: VDR (vitamin D receptor; minus strand). Cytogenetic location: 12q13.11.
Variant type: single nucleotide variant.
Coding change: c.775C>G on transcript NM_000376.3 (MANE Select); coding-DNA position 775, C replaced by G.
Protein change: p.Gln259Glu; replaces glutamine 259 with glutamic acid.
Molecular consequence: missense variant.
Genome position (GRCh38, 1-based): chr12:47,846,789, G>C on the plus strand (C>G on the coding strand, the complement: VDR is on the minus strand). VCF-style: chr12-47846789-G-C. GRCh37 (hg19) VCF-style: chr12-48240572-G-C.
Other names: c.775C>G, p.Gln259Glu (NM_001017535.2, NM_001364085.2, NM_001374661.1 and 1 more transcripts); c.925C>G, p.Gln309Glu (NM_001017536.2); c.775C>G (NM_001017535.1); short protein forms Q259E, Q309E.
Identifiers: ClinVar variation 1407164 (VCV001407164.10), dbSNP rs149122494, ClinGen allele CA6533856.